The following is an entry in ClinVar:

NM_080632.3(UPF3B):c.16G>T (p.Glu6Ter)

Gene: UPF3B (UPF3B regulator of nonsense mediated mRNA decay; minus strand). Cytogenetic location: Xq24.
Variant type: single nucleotide variant.
Coding change: c.16G>T on transcript NM_080632.3 (MANE Select); coding-DNA position 16, G replaced by T.
Protein change: p.Glu6Ter; replaces glutamic acid 6 with a stop codon.
Molecular consequence: nonsense.
Genome position (GRCh38, 1-based): chrX:119,852,913, C>A on the plus strand (G>T on the coding strand, the complement: UPF3B is on the minus strand). VCF-style: chrX-119852913-C-A. GRCh37 (hg19) VCF-style: chrX-118986876-C-A.
Other names: c.16G>T, p.Glu6Ter (NM_023010.4); short protein forms E6*.
Identifiers: ClinVar variation 3186789 (VCV003186789.1), dbSNP rs2521582948, ClinGen allele CA414186035.
Genomic context (GRCh38, chrX:119,852,913, plus strand): 5'-CGCTGCCTGTGGCCCCGGCGGGGGTTAACAGGGTTACTCGCTTCTCCTTAGGCCTGTGCT[C>A]CTTCTCTTCCTTCATGGCTACGTCCCCCGCTGAAGCGGCTTGGCCGGAACGGGGTTACCC-3'

ClinVar aggregate classification (germline): Pathogenic (1 of 4 stars; one submission).

Conditions:
Inborn genetic diseases. Identifiers: MedGen C0950123, MeSH D030342.

Submission:

Ambry Genetics
Classification: Pathogenic for Inborn genetic diseases. Last evaluated: 2024-02-29. Review status: criteria provided, single submitter. Criteria: Ambry Variant Classification Scheme 2023. Collection method: clinical testing. Allele origin: germline.
Comment: The c.16G>T (p.E6*) alteration, located in exon 1 (coding exon 1) of the UPF3B gene, consists of a G to T substitution at nucleotide position 16. This changes the amino acid from a glutamic acid (E) to a stop codon at amino acid position 6. This alteration is expected to result in loss of function by premature protein truncation or nonsense-mediated mRNA decay. This variant was not reported in population-based cohorts in the Genome Aggregation Database (gnomAD). Based on the available evidence, this alteration is classified as pathogenic.